The following is an entry in ClinVar:

NM_000051.4(ATM):c.5773G>A (p.Gly1925Arg)

Genes: ATM (ATM serine/threonine kinase; plus strand), C11orf65 (chromosome 11 open reading frame 65; minus strand). Cytogenetic location: 11q22.3.
Variant type: single nucleotide variant.
Coding change: c.5773G>A on transcript NM_000051.4 (MANE Select); coding-DNA position 5773, G replaced by A.
Protein change: p.Gly1925Arg; replaces glycine 1925 with arginine.
Molecular consequence: missense variant. On other transcripts: intron variant (2).
Genome position (GRCh38, 1-based): chr11:108,310,170, G>A. VCF-style: chr11-108310170-G-A. GRCh37 (hg19) VCF-style: chr11-108180897-G-A.
Other names: c.5773G>A, p.Gly1925Arg (NM_001351834.2); c.641-1099C>T (NM_001330368.2); c.*39-1099C>T (NM_001351110.2); short protein forms G1925R.
Identifiers: ClinVar variation 825958 (VCV000825958.16), dbSNP rs1591745423, ClinGen allele CA382548292.

ClinVar aggregate classification (germline): Uncertain significance. Review status: criteria provided, multiple submitters, no conflicts (2 of 4 stars). 3 submissions from 3 submitters: Uncertain significance (3). Last evaluated 2023-12-04.

Conditions:
Hereditary cancer-predisposing syndrome. Also called: Tumor predisposition; Neoplastic Syndromes, Hereditary; Hereditary Cancer Syndrome; Hereditary neoplastic syndrome. Identifiers: Orphanet 140162, MedGen C0027672, MeSH D009386, MONDO:0015356.
Ataxia-telangiectasia syndrome (AT). Also called: ATAXIA-TELANGIECTASIA, COMPLEMENTATION GROUP A; ATAXIA-TELANGIECTASIA, FRESNO VARIANT; Ataxia-telangiectasia; Ataxia-telangiectasia, complementation group D; AT, COMPLEMENTATION GROUP C; Ataxia-telangiectasia, complementation group E. Identifiers: Orphanet 100, MedGen C0004135, MONDO:0008840, OMIM 208900.

Submissions (3):

Color Diagnostics, LLC DBA Color Health
Classification: Uncertain significance for Hereditary cancer-predisposing syndrome. Last evaluated: 2023-12-04. Review status: criteria provided, single submitter. Criteria: ACMG Guidelines, 2015. Collection method: clinical testing. Allele origin: germline.
Comment: This missense variant replaces glycine with arginine at codon 1925 of the ATM protein. Computational prediction suggests that this variant may not impact protein structure and function (internally defined REVEL score threshold <= 0.5, PMID: 27666373). To our knowledge, functional studies have not been reported for this variant. This variant has not been reported in individuals affected with ATM-related disorders in the literature. This variant has not been identified in the general population by the Genome Aggregation Database (gnomAD). The available evidence is insufficient to determine the role of this variant in disease conclusively. Therefore, this variant is classified as a Variant of Uncertain Significance.

Ambry Genetics
Classification: Uncertain significance for Hereditary cancer-predisposing syndrome. Last evaluated: 2023-03-08. Review status: criteria provided, single submitter. Criteria: Ambry Variant Classification Scheme 2023. Collection method: clinical testing. Allele origin: germline.
Comment: The p.G1925R variant (also known as c.5773G>A), located in coding exon 38 of the ATM gene, results from a G to A substitution at nucleotide position 5773. The glycine at codon 1925 is replaced by arginine, an amino acid with dissimilar properties. This amino acid position is well conserved in available vertebrate species. In addition, this alteration is predicted to be tolerated by in silico analysis. Since supporting evidence is limited at this time, the clinical significance of this alteration remains unclear.

Labcorp Genetics (formerly Invitae), Labcorp
Classification: Uncertain significance for Ataxia-telangiectasia syndrome. Last evaluated: 2021-08-30. Review status: criteria provided, single submitter. Criteria: Invitae Variant Classification Sherloc (09022015). Collection method: clinical testing. Allele origin: germline.
Comment: This sequence change replaces glycine with arginine at codon 1925 of the ATM protein (p.Gly1925Arg). The glycine residue is moderately conserved and there is a moderate physicochemical difference between glycine and arginine. This variant is not present in population databases (ExAC no frequency). This variant has not been reported in the literature in individuals affected with ATM-related conditions. Algorithms developed to predict the effect of missense changes on protein structure and function output the following: SIFT: "Tolerated"; PolyPhen-2: "Possibly Damaging"; Align-GVGD: "Class C0". The arginine amino acid residue is found in multiple mammalian species, which suggests that this missense change does not adversely affect protein function. Algorithms developed to predict the effect of sequence changes on RNA splicing suggest that this variant may create or strengthen a splice site. In summary, the available evidence is currently insufficient to determine the role of this variant in disease. Therefore, it has been classified as a Variant of Uncertain Significance.